The following is an entry in ClinVar:

NM_024529.5(CDC73):c.1294C>T (p.Leu432Phe)

Gene: CDC73 (cell division cycle 73; plus strand). Cytogenetic location: 1q31.2.
Variant type: single nucleotide variant.
Coding change: c.1294C>T on transcript NM_024529.5 (MANE Select); coding-DNA position 1294, C replaced by T.
Protein change: p.Leu432Phe; replaces leucine 432 with phenylalanine.
Molecular consequence: missense variant.
Genome position (GRCh38, 1-based): chr1:193,233,132, C>T. VCF-style: chr1-193233132-C-T. GRCh37 (hg19) VCF-style: chr1-193202262-C-T.
Other names: short protein forms L432F.
Identifiers: ClinVar variation 1063847 (VCV001063847.9), dbSNP rs2102058450, ClinGen allele CA344078026.

ClinVar aggregate classification (germline): Uncertain significance (1 of 4 stars; one submission).

Conditions:
Parathyroid carcinoma (PRTC). Also called: Parathyroid gland carcinoma; CDC73-Related Parathyroid Carcinoma. Identifiers: Orphanet 143, MedGen C0687150, MONDO:0012004, OMIM 608266, HP:0006780.

Submission:

Labcorp Genetics (formerly Invitae), Labcorp
Classification: Uncertain significance for Parathyroid carcinoma. Last evaluated: 2020-05-04. Review status: criteria provided, single submitter. Criteria: Invitae Variant Classification Sherloc (09022015). Collection method: clinical testing. Allele origin: germline.
Comment: This sequence change replaces leucine with phenylalanine at codon 432 of the CDC73 protein (p.Leu432Phe). The leucine residue is moderately conserved and there is a small physicochemical difference between leucine and phenylalanine. This variant is not present in population databases (ExAC no frequency). This variant has not been reported in the literature in individuals with CDC73-related conditions. Algorithms developed to predict the effect of missense changes on protein structure and function are either unavailable or do not agree on the potential impact of this missense change (SIFT: "Tolerated"; PolyPhen-2: "Possibly Damaging"; Align-GVGD: "Class C0"). In summary, the available evidence is currently insufficient to determine the role of this variant in disease. Therefore, it has been classified as a Variant of Uncertain Significance.